The following is an entry in ClinVar:

NM_000540.3(RYR1):c.1819G>A (p.Val607Met)

Gene: RYR1 (ryanodine receptor 1; plus strand). Cytogenetic location: 19q13.2.
Variant type: single nucleotide variant.
Coding change: c.1819G>A on transcript NM_000540.3 (MANE Select); coding-DNA position 1819, G replaced by A.
Protein change: p.Val607Met; replaces valine 607 with methionine.
Molecular consequence: missense variant.
Genome position (GRCh38, 1-based): chr19:38,457,524, G>A. VCF-style: chr19-38457524-G-A. GRCh37 (hg19) VCF-style: chr19-38948164-G-A.
Other names: c.1819G>A, p.Val607Met (NM_001042723.2); short protein forms V607M.
Identifiers: ClinVar variation 590488 (VCV000590488.3), dbSNP rs1568450391, ClinGen allele CA405693770.

ClinVar aggregate classification (germline): Uncertain significance. Review status: criteria provided, multiple submitters, no conflicts (2 of 4 stars). 2 submissions from 2 submitters: Uncertain significance (2). Last evaluated 2024-06-09.

Conditions:
Malignant hyperthermia, susceptibility to, 1 (MHS1). Also called: Anesthesia related hyperthermia; Malignant hyperpyrexia; Fulminating hyperpyrexia; Pharmacogenic myopathy; RYR1-Related Malignant Hyperthermia Susceptibility; Malignant hyperthermia suceptibility 1. Identifiers: Orphanet 423, MedGen C2930980, MONDO:0007783, OMIM 145600.

Submissions (2):

All of Us Research Program, National Institutes of Health
Classification: Uncertain significance for Malignant hyperthermia, susceptibility to, 1. Last evaluated: 2024-06-09. Review status: criteria provided, single submitter. Criteria: ACMG Guidelines, 2015. Collection method: clinical testing. Allele origin: germline. Inheritance: Autosomal dominant inheritance. Observed: 1 variant allele, 1 heterozygote.
Comment: This missense variant replaces valine with methionine at codon 607 of the RYR1 protein. Computational prediction is inconclusive regarding the impact of this variant on protein structure and function. To our knowledge, functional studies have not been reported for this variant. This variant has not been reported in individuals affected with RYR1-related disorders in the literature. This variant has not been identified in the general population by the Genome Aggregation Database (gnomAD). The available evidence is insufficient to determine the role of this variant in disease conclusively. Therefore, this variant is classified as a Variant of Uncertain Significance.

This study involves interpretation of variants in research participants for the purpose of population health screening. Participant phenotype was not available at the time of variant classification. Additional details can be found in publication PMID: 35346344, PMCID: PMC8962531

PreventionGenetics, part of Exact Sciences
Classification: Uncertain significance. Last evaluated: 2013-10-18. Review status: criteria provided, single submitter. Criteria: ACMG Guidelines, 2015. Collection method: clinical testing. Allele origin: germline.